The following is an entry in ClinVar:

ClinVar aggregate classification (germline): Uncertain significance (1 of 4 stars; one submission).

Conditions:
Cystic fibrosis (CF). Also called: MUCOVISCIDOSIS. Identifiers: Orphanet 586, MedGen C0010674, MONDO:0009061, OMIM 219700. Disease mechanism: loss of function.

Submission:

Ambry Genetics
Classification: Uncertain significance for Cystic fibrosis. Last evaluated: 2022-03-01. Review status: criteria provided, single submitter. Criteria: Ambry Variant Classification Scheme 2023. Collection method: clinical testing. Allele origin: germline.
Comment: The p.S307I variant (also known as c.920G>T), located in coding exon 8 of the CFTR gene, results from a G to T substitution at nucleotide position 920. The serine at codon 307 is replaced by isoleucine, an amino acid with dissimilar properties. This amino acid position is conserved. In addition, this alteration is predicted to be deleterious by in silico analysis. Since supporting evidence is limited at this time, the clinical significance of this alteration remains unclear.

NM_000492.4(CFTR):c.920G>T (p.Ser307Ile)

Gene: CFTR (CF transmembrane conductance regulator; plus strand). Cytogenetic location: 7q31.2.
Variant type: single nucleotide variant.
Coding change: c.920G>T on transcript NM_000492.4 (MANE Select); coding-DNA position 920, G replaced by T.
Protein change: p.Ser307Ile; replaces serine 307 with isoleucine.
Molecular consequence: missense variant.
Genome position (GRCh38, 1-based): chr7:117,540,150, G>T. VCF-style: chr7-117540150-G-T. GRCh37 (hg19) VCF-style: chr7-117180204-G-T.
Other names: short protein forms S307I.
Identifiers: ClinVar variation 1766203 (VCV001766203.2), dbSNP rs397508817, ClinGen allele CA368978207.